The following is an entry in ClinVar:

ClinVar aggregate classification (germline): Conflicting classifications of pathogenicity. Review status: criteria provided, conflicting classifications (1 of 4 stars). 5 submissions from 5 submitters: Uncertain significance (1); Likely benign (4). Last evaluated 2025-11-05.

Conditions:
GALNT12-related disorder. Also called: GALNT12-related condition.
Colorectal cancer, susceptibility to, 1. Also called: COLORECTAL ADENOMA AND CANCER, SUSCEPTIBILITY TO; COLORECTAL CANCER, SUSCEPTIBILITY TO, ON CHROMOSOME 9. Identifiers: MedGen C1837315, MONDO:0012132, OMIM 608812.

Allele frequency attached by ClinVar (database versions not stated): gnomAD 0.00039 and 0.00043; TOPMed 0.00043.
gnomAD v4.1: 81 of 1,179,728 alleles (0.0069%); highest among the groups gnomAD compares: African/African-American, 0.13%; no homozygotes.

Submissions (5):

Quest Diagnostics Nichols Institute San Juan Capistrano
Classification: Likely benign. Last evaluated: 2025-11-05. Review status: criteria provided, single submitter. Criteria: Quest Diagnostics criteria. Collection method: clinical testing. Allele origin: unknown.

PreventionGenetics, part of Exact Sciences
Classification: Likely benign for GALNT12-related condition. Last evaluated: 2025-05-28. Review status: criteria provided, single submitter. Criteria: ACMG Guidelines, 2015. Collection method: clinical testing. Allele origin: germline.
Comment: This variant is classified as likely benign based on ACMG/AMP sequence variant interpretation guidelines (Richards et al. 2015 PMID: 25741868, with internal and published modifications).

Labcorp Genetics (formerly Invitae), Labcorp
Classification: Likely benign. Last evaluated: 2024-12-18. Review status: criteria provided, single submitter. Criteria: Invitae Variant Classification Sherloc (09022015). Collection method: clinical testing. Allele origin: germline.

Ambry Genetics
Classification: Likely benign. Last evaluated: 2023-05-28. Review status: criteria provided, single submitter. Criteria: Ambry Variant Classification Scheme 2023. Collection method: clinical testing. Allele origin: germline.

Baylor Genetics
Classification: Uncertain significance for Colorectal cancer, susceptibility to, 1. Last evaluated: 2022-09-28. Review status: criteria provided, single submitter. Criteria: ACMG Guidelines, 2015. Collection method: clinical testing. Allele origin: unknown.

NM_024642.5(GALNT12):c.25C>G (p.Arg9Gly)

Gene: GALNT12 (polypeptide N-acetylgalactosaminyltransferase 12; plus strand). Cytogenetic location: 9q22.33.
Variant type: single nucleotide variant.
Coding change: c.25C>G on transcript NM_024642.5 (MANE Select); coding-DNA position 25, C replaced by G.
Protein change: p.Arg9Gly; replaces arginine 9 with glycine.
Molecular consequence: missense variant.
Genome position (GRCh38, 1-based): chr9:98,807,723, C>G. VCF-style: chr9-98807723-C-G. GRCh37 (hg19) VCF-style: chr9-101570005-C-G.
Other names: short protein forms R9G.
Identifiers: ClinVar variation 410594 (VCV000410594.19), dbSNP rs889395877, ClinGen allele CA16612696.
Genomic context (GRCh38, chr9:98,807,723, plus strand): 5'-GGGGCGCGCAGATCGCTGGCTGCAGTTGGCGGGCGCATGTGGGGGCGCACGGCGCGGCGG[C>G]GCTGCCCGCGGGAACTGCGGCGCGGCCGGGAGGCGCTGTTGGTGCTCCTGGCGCTACTGG-3'
Protein context (NP_078918.3, residues 1-19): MWGRTARR[Arg9Gly]CPRELRRGRE